The following is an entry in ClinVar:

ClinVar aggregate classification (germline): Uncertain significance. Review status: criteria provided, multiple submitters, no conflicts (2 of 4 stars). 2 submissions from 2 submitters: Uncertain significance (2). Last evaluated 2024-11-13.

Conditions:
Hereditary cancer-predisposing syndrome. Also called: Neoplastic Syndromes, Hereditary; Hereditary neoplastic syndrome; Tumor predisposition; Hereditary Cancer Syndrome. Identifiers: Orphanet 140162, MedGen C0027672, MeSH D009386, MONDO:0015356.
Gorlin syndrome. Also called: Nevoid Basal Cell Carcinoma Syndrome; Basal cell nevus syndrome. Identifiers: Orphanet 377, MedGen C0004779, MONDO:0007187.

gnomAD v4.1: 1 of 1,421,380 alleles (0.00007%); no homozygotes.

Submissions (2):

Ambry Genetics
Classification: Uncertain significance for Hereditary cancer-predisposing syndrome. Last evaluated: 2024-11-13. Review status: criteria provided, single submitter. Criteria: Ambry Variant Classification Scheme 2023. Collection method: clinical testing. Allele origin: germline.
Comment: The p.C20S variant (also known as c.59G>C), located in coding exon 1 of the PTCH1 gene, results from a G to C substitution at nucleotide position 59. The cysteine at codon 20 is replaced by serine, an amino acid with dissimilar properties. This amino acid position is well conserved in available vertebrate species. In addition, this alteration is predicted to be tolerated by in silico analysis. Based on the available evidence, the clinical significance of this variant remains unclear.

Labcorp Genetics (formerly Invitae), Labcorp
Classification: Uncertain significance for Gorlin syndrome. Last evaluated: 2022-09-14. Review status: criteria provided, single submitter. Criteria: Invitae Variant Classification Sherloc (09022015). Collection method: clinical testing. Allele origin: germline.
Comment: In summary, the available evidence is currently insufficient to determine the role of this variant in disease. Therefore, it has been classified as a Variant of Uncertain Significance. Advanced modeling of protein sequence and biophysical properties (such as structural, functional, and spatial information, amino acid conservation, physicochemical variation, residue mobility, and thermodynamic stability) performed at Invitae indicates that this missense variant is not expected to disrupt PTCH1 protein function. This variant has not been reported in the literature in individuals affected with PTCH1-related conditions. This variant is not present in population databases (gnomAD no frequency). This sequence change replaces cysteine, which is neutral and slightly polar, with serine, which is neutral and polar, at codon 20 of the PTCH1 protein (p.Cys20Ser).

NM_000264.5(PTCH1):c.59G>C (p.Cys20Ser)

Genes: PTCH1 (patched 1; minus strand), LOC130002133 (ATAC-STARR-seq lymphoblastoid silent region 20071; plus strand). Cytogenetic location: 9q22.32.
Variant type: single nucleotide variant.
Coding change: c.59G>C on transcript NM_000264.5 (MANE Select); coding-DNA position 59, G replaced by C.
Protein change: p.Cys20Ser; replaces cysteine 20 with serine.
Molecular consequence: missense variant. On other transcripts: non-coding transcript variant (1), intron variant (3).
Genome position (GRCh38, 1-based): chr9:95,508,303, C>G on the plus strand (G>C on the coding strand, the complement: PTCH1 is on the minus strand). VCF-style: chr9-95508303-C-G. GRCh37 (hg19) VCF-style: chr9-98270585-C-G.
Other names: c.59G>C, p.Cys20Ser (NM_001354918.2); c.199-1704G>C (NM_001083603.3); c.4-1704G>C (NM_001083602.3, NM_001354919.2); short protein forms C20S.
Identifiers: ClinVar variation 1933092 (VCV001933092.6), dbSNP rs1420016285, ClinGen allele CA374121498.
Genomic context (GRCh38, chr9:95,508,303, plus strand): 5'-CGCAGCCCCCCCGTCCGTCTGCGCCTCCCGCCTCCAGCCGGCCGTCCCGGGGCACCGATA[C>G]AGCCGCTGCCGCCGCCGCCGCGGTCCTGGGGCTCGGCGGCGTTACCAGCCGAGGCCATGT-3'
Protein context (NP_000255.2, residues 10-30): PQDRGGGGSG[Cys20Ser]IGAPGRPAGG